The following is an entry in ClinVar:

NM_016222.4(DDX41):c.10T>G (p.Ser4Ala)

Gene: DDX41 (DEAD-box helicase 41; minus strand). Cytogenetic location: 5q35.3.
Variant type: single nucleotide variant.
Coding change: c.10T>G on transcript NM_016222.4 (MANE Select); coding-DNA position 10, T replaced by G.
Protein change: p.Ser4Ala; replaces serine 4 with alanine.
Molecular consequence: missense variant. On other transcripts: 5 prime UTR variant (2).
Genome position (GRCh38, 1-based): chr5:177,516,936, A>C on the plus strand (T>G on the coding strand, the complement: DDX41 is on the minus strand). VCF-style: chr5-177516936-A-C. GRCh37 (hg19) VCF-style: chr5-176943937-A-C.
Other names: c.10T>G (NM_016222.2); c.-646T>G (NM_001321732.2); c.-438T>G (NM_001321830.2); short protein forms S4A.
Identifiers: ClinVar variation 3690765 (VCV003690765.3).

ClinVar aggregate classification (germline): Conflicting classifications of pathogenicity. Review status: criteria provided, conflicting classifications (1 of 4 stars). 2 submissions from 2 submitters: Uncertain significance (1); Likely benign (1). Last evaluated 2026-01-05.

Conditions:
Inborn genetic diseases. Identifiers: MedGen C0950123, MeSH D030342.

Submissions (2):

Ambry Genetics
Classification: Likely benign for Inborn genetic diseases. Last evaluated: 2026-01-05. Review status: criteria provided, single submitter. Criteria: Ambry Variant Classification Scheme 2023. Collection method: clinical testing. Allele origin: germline.

Labcorp Genetics (formerly Invitae), Labcorp
Classification: Uncertain significance. Last evaluated: 2025-01-15. Review status: criteria provided, single submitter. Criteria: Invitae Variant Classification Sherloc (09022015). Collection method: clinical testing. Allele origin: germline.
Comment: This sequence change replaces serine, which is neutral and polar, with alanine, which is neutral and non-polar, at codon 4 of the DDX41 protein (p.Ser4Ala). This variant is not present in population databases (gnomAD no frequency). This variant has not been reported in the literature in individuals affected with DDX41-related conditions. An algorithm developed to predict the effect of missense changes on protein structure and function (PolyPhen-2) suggests that this variant is likely to be tolerated. In summary, the available evidence is currently insufficient to determine the role of this variant in disease. Therefore, it has been classified as a Variant of Uncertain Significance.